The following is an entry in ClinVar:

ClinVar aggregate classification (germline): Conflicting classifications of pathogenicity. Review status: criteria provided, conflicting classifications (1 of 4 stars). 2 submissions from 2 submitters: Likely pathogenic (1); Uncertain significance (1). Last evaluated 2025-02-26.

Submissions (2):

GeneDx
Classification: Likely pathogenic. Last evaluated: 2025-02-26. Review status: criteria provided, single submitter. Criteria: GeneDx Variant Classification Process June 2021. Collection method: clinical testing. Allele origin: germline. Affected: yes.
Comment: Not observed at significant frequency in large population cohorts (gnomAD); In silico analysis supports that this missense variant has a deleterious effect on protein structure/function; Has not been previously published as pathogenic or benign to our knowledge; This variant is associated with the following publications: (PMID: 30577886)

Labcorp Genetics (formerly Invitae), Labcorp
Classification: Uncertain significance. Last evaluated: 2023-12-06. Review status: criteria provided, single submitter. Criteria: Invitae Variant Classification Sherloc (09022015). Collection method: clinical testing. Allele origin: germline.
Comment: This sequence change replaces glycine, which is neutral and non-polar, with arginine, which is basic and polar, at codon 1112 of the ARID1B protein (p.Gly1112Arg). This variant is not present in population databases (gnomAD no frequency). This variant has not been reported in the literature in individuals affected with ARID1B-related conditions. ClinVar contains an entry for this variant (Variation ID: 1339575). Advanced modeling of protein sequence and biophysical properties (such as structural, functional, and spatial information, amino acid conservation, physicochemical variation, residue mobility, and thermodynamic stability) has been performed at Invitae for this missense variant, however the output from this modeling did not meet the statistical confidence thresholds required to predict the impact of this variant on ARID1B protein function. In summary, the available evidence is currently insufficient to determine the role of this variant in disease. Therefore, it has been classified as a Variant of Uncertain Significance.

NM_001374828.1(ARID1B):c.3703G>C (p.Gly1235Arg)

Gene: ARID1B (AT-rich interaction domain 1B; plus strand). Cytogenetic location: 6q25.3.
Variant type: single nucleotide variant.
Coding change: c.3703G>C on transcript NM_001374828.1 (MANE Select); coding-DNA position 3703, G replaced by C.
Protein change: p.Gly1235Arg; replaces glycine 1235 with arginine.
Molecular consequence: missense variant.
Genome position (GRCh38, 1-based): chr6:157,181,167, G>C. VCF-style: chr6-157181167-G-C. GRCh37 (hg19) VCF-style: chr6-157502301-G-C.
Other names: c.1204G>C, p.Gly402Arg (NM_001363725.2); c.3583G>C, p.Gly1195Arg (NM_001371656.1, NM_001374820.1); c.3544G>C, p.Gly1182Arg (NM_017519.3); c.3334G>C (NM_020732.3); short protein forms G1182R, G1195R, G1235R, G402R.
Identifiers: ClinVar variation 1339575 (VCV001339575.7), dbSNP rs2128317822, ClinGen allele CA366228503.